The following is an entry in ClinVar:

ClinVar aggregate classification (germline): Benign/Likely benign. Review status: criteria provided, multiple submitters, no conflicts (2 of 4 stars). 13 submissions from 13 submitters: Benign (2); Likely benign (10). 1 of the submissions does not count toward it. Last evaluated 2026-01-28.

Conditions:
ATM-related disorder. Also called: ATM-related disorders; ATM-related condition.
Familial colorectal cancer type X. Identifiers: Orphanet 440437, MedGen C3896578, MONDO:0018604.
Hereditary cancer-predisposing syndrome. Also called: Hereditary Cancer Syndrome; Tumor predisposition; Neoplastic Syndromes, Hereditary; Hereditary neoplastic syndrome. Identifiers: Orphanet 140162, MedGen C0027672, MeSH D009386, MONDO:0015356.
Familial cancer of breast. Also called: hereditary breast carcinoma; BREAST CANCER, FAMILIAL; Hereditary breast cancer. Identifiers: Orphanet 227535, MedGen C0346153, MONDO:0016419, OMIM 114480. Disease mechanism: loss of function.
Ataxia-telangiectasia syndrome (AT). Also called: ATAXIA-TELANGIECTASIA, COMPLEMENTATION GROUP A; ATAXIA-TELANGIECTASIA, FRESNO VARIANT; Ataxia-telangiectasia; Ataxia-telangiectasia, complementation group E; Cerebello-oculocutaneous telangiectasia; Immunodeficiency with ataxia telangiectasia. Identifiers: Orphanet 100, MedGen C0004135, MONDO:0008840, OMIM 208900.

Allele frequency attached by ClinVar (database versions not stated): ExAC 0.00011; gnomAD exomes 0.00010; 1000 Genomes Project 0.00020; gnomAD 0.00006; TOPMed 0.00008; 1000 Genomes Project 30x 0.00016.
gnomAD v4.1: 486 of 1,613,818 alleles (0.03%); highest among the groups gnomAD compares: Non-Finnish European, 0.039%; 1 homozygote.

Submissions (13):

Labcorp Genetics (formerly Invitae), Labcorp
Classification: Likely benign for Ataxia-telangiectasia syndrome. Last evaluated: 2026-01-28. Review status: criteria provided, single submitter. Criteria: Invitae Variant Classification Sherloc (09022015). Collection method: clinical testing. Allele origin: germline.

Center for Genomic Medicine, Rigshospitalet, Copenhagen University Hospital
Classification: Likely benign. Last evaluated: 2025-03-04. Review status: criteria provided, single submitter. Criteria: ACMG Guidelines, 2015. Collection method: clinical testing. Allele origin: germline.

Blueprint Genetics
Classification: Likely benign. Last evaluated: 2024-11-15. Review status: criteria provided, single submitter. Criteria: ACMG Guidelines, 2015. Collection method: clinical testing. Allele origin: germline.

Athena Diagnostics
Classification: Likely benign. Last evaluated: 2024-11-08. Review status: criteria provided, single submitter. Criteria: Athena Diagnostics Criteria. Collection method: clinical testing. Allele origin: unknown.

Department of Pathology and Laboratory Medicine, Sinai Health System
Classification: Likely benign for Familial colorectal cancer type X. Last evaluated: 2024-07-22. Review status: criteria provided, single submitter. Criteria: ACMG Guidelines, 2015. Collection method: clinical testing. Allele origin: germline. Affected: yes.

Myriad Genetics, Inc.
Classification: Benign for Familial cancer of breast. Last evaluated: 2024-06-12. Review status: criteria provided, single submitter. Criteria: Myriad Autosomal Dominant, Autosomal Recessive and X-Linked Classification Criteria (2023). Collection method: clinical testing. Allele origin: unknown.
Comment: This variant is considered benign. This variant is a silent/synonymous amino acid change and it is not expected to impact splicing.

Women's Health and Genetics/Laboratory Corporation of America, LabCorp
Classification: Likely benign. Last evaluated: 2023-03-30. Review status: criteria provided, single submitter. Criteria: LabCorp Variant Classification Summary - May 2015. Collection method: clinical testing. Allele origin: germline.
Comment: Variant summary: ATM c.7062G>A alters a non-conserved nucleotide resulting in a synonymous change. 4/4 computational tools predict no significant impact on normal splicing. However, these predictions have yet to be confirmed by functional studies. The variant allele was found at a frequency of 0.0001 in 250982 control chromosomes, predominantly at a frequency of 0.00021 within the Non-Finnish European subpopulation in the gnomAD database. This frequency is not significantly higher than estimated for a pathogenic variant in ATM causing Breast Cancer (0.0001 vs 0.001), allowing no conclusion about variant significance. To our knowledge, no occurrence of c.7062G>A in individuals affected with Breast Cancer and no experimental evidence demonstrating its impact on protein function have been reported. Six clinical diagnostic laboratories have submitted clinical-significance assessments for this variant to ClinVar after 2014 and all classified the variant as benign/likely benign. Based on the evidence outlined above, the variant was classified as likely benign.

Sema4
Classification: Likely benign for Hereditary cancer-predisposing syndrome. Last evaluated: 2021-05-03. Review status: criteria provided, single submitter. Criteria: Sema4 Curation Guidelines. Collection method: curation. Allele origin: germline.

Quest Diagnostics Nichols Institute San Juan Capistrano
Classification: Likely benign. Last evaluated: 2020-03-31. Review status: criteria provided, single submitter. Criteria: Quest Diagnostics criteria. Collection method: clinical testing. Allele origin: unknown.

Color Diagnostics, LLC DBA Color Health
Classification: Likely benign for Hereditary cancer-predisposing syndrome. Last evaluated: 2016-08-05. Review status: criteria provided, single submitter. Criteria: ACMG Guidelines, 2015. Collection method: clinical testing. Allele origin: germline.

GeneDx
Classification: Benign. Last evaluated: 2015-03-03. Review status: criteria provided, single submitter. Criteria: GeneDx Variant Classification Process June 2021. Collection method: clinical testing. Allele origin: germline. Affected: yes.

Ambry Genetics
Classification: Likely benign for Hereditary cancer-predisposing syndrome. Last evaluated: 2015-02-26. Review status: criteria provided, single submitter. Criteria: Ambry Variant Classification Scheme 2023. Collection method: clinical testing. Allele origin: germline.

PreventionGenetics, part of Exact Sciences
Classification: Likely benign for ATM-related condition. Last evaluated: 2019-04-25. Review status: no assertion criteria provided. Collection method: clinical testing. Allele origin: germline. Not counted in ClinVar's aggregate classification.
Comment: This variant is classified as likely benign based on ACMG/AMP sequence variant interpretation guidelines (Richards et al. 2015 PMID: 25741868, with internal and published modifications).

Literature cited by the submitters: PubMed 28779002 (cited by 3 submitters); PubMed 30287823 (cited by 3 submitters).

NM_000051.4(ATM):c.7062G>A (p.Ala2354=)

Genes: ATM (ATM serine/threonine kinase; plus strand), C11orf65 (chromosome 11 open reading frame 65; minus strand). Cytogenetic location: 11q22.3.
Variant type: single nucleotide variant.
Coding change: c.7062G>A on transcript NM_000051.4 (MANE Select); coding-DNA position 7062, G replaced by A.
Protein change: p.Ala2354=; no amino-acid change (alanine 2354 retained).
Molecular consequence: synonymous variant. On other transcripts: intron variant (2).
Genome position (GRCh38, 1-based): chr11:108,327,731, G>A. VCF-style: chr11-108327731-G-A. GRCh37 (hg19) VCF-style: chr11-108198458-G-A.
Other names: c.7062G>A, p.Ala2354= (NM_001351834.2); c.641-18660C>T (NM_001330368.2); c.*38+7489C>T (NM_001351110.2).
Identifiers: ClinVar variation 184489 (VCV000184489.31), dbSNP rs143489373, ClinGen allele CA189107.
Genomic context (GRCh38, chr11:108,327,731, plus strand): 5'-CACAGAATGTCTGAGGGTTTGTGGCAACTGGTTAGCAGAAACGTGCTTAGAAAATCCTGC[G>A]GTCATCATGCAGACCTATCTAGAAAAGGTAAGATTTTTGGAGCAACCCTTAAGATAGTTA-3'
Protein context (NP_000042.3, residues 2344-2364): WLAETCLENP[Ala2354=]VIMQTYLEKA